The following is an entry in ClinVar:

ClinVar aggregate classification (germline): Likely pathogenic (1 of 4 stars; one submission).

Conditions:
Renal tubular dysgenesis of genetic origin. Also called: PRIMITIVE RENAL TUBULE SYNDROME. Identifiers: Orphanet 97369, MedGen C5681536, MONDO:0009970, OMIM 267430.

Allele frequency attached by ClinVar (database versions not stated): gnomAD exomes below 0.00001.

Submission:

Neuberg Centre For Genomic Medicine, NCGM
Classification: Likely pathogenic for Renal tubular dysgenesis of genetic origin. Review status: criteria provided, single submitter. Criteria: ACMG Guidelines, 2015. Collection method: clinical testing. Allele origin: germline. Inheritance: Autosomal recessive inheritance. Affected: yes.
Comment: The start lost variant c.3G>T (p.Met1?) in ACE gene has not been reported previously as a pathogenic variant nor as a benign variant, to our knowledge. The variant is novel (not in any individuals) in gnomAD Exomes and 1000 Genomes. Null variant (start loss), in gene ACE for which loss-of-function is a known mechanism of disease. The variant is predicted to be damaging by SIFT and the residue is conserved across species. The nucleotide change in ACE is predicted as conserved by GERP++ and PhyloP across 100 vertebrates. For these reasons, this variant has been classified as Likely Pathogenic.

NM_000789.4(ACE):c.3G>T (p.Met1Ile)

Gene: ACE (angiotensin I converting enzyme; plus strand). Cytogenetic location: 17q23.3.
Variant type: single nucleotide variant.
Coding change: c.3G>T on transcript NM_000789.4 (MANE Select); coding-DNA position 3, G replaced by T.
Protein change: p.Met1Ile; changes the start codon (methionine 1).
Molecular consequence: missense variant, initiator codon variant. On other transcripts: 5 prime UTR variant (2).
Genome position (GRCh38, 1-based): chr17:63,477,097, G>T. VCF-style: chr17-63477097-G-T. GRCh37 (hg19) VCF-style: chr17-61554458-G-T.
Other names: c.-233G>T (NM_001382700.1); c.-612G>T (NM_001382701.1); short protein forms M1I.
Identifiers: ClinVar variation 2585611 (VCV002585611.1), dbSNP rs2510680823, ClinGen allele CA400538174.